The following is an entry in ClinVar:

NM_016562.4(TLR7):c.3011G>A (p.Arg1004Gln)

Gene: TLR7 (toll like receptor 7; plus strand). Cytogenetic location: Xp22.2.
Variant type: single nucleotide variant.
Coding change: c.3011G>A on transcript NM_016562.4 (MANE Select); coding-DNA position 3011, G replaced by A.
Protein change: p.Arg1004Gln; replaces arginine 1004 with glutamine.
Molecular consequence: missense variant.
Genome position (GRCh38, 1-based): chrX:12,888,519, G>A. VCF-style: chrX-12888519-G-A. GRCh37 (hg19) VCF-style: chrX-12906638-G-A.
Other names: short protein forms R1004Q.
Identifiers: ClinVar variation 3631925 (VCV003631925.2).

ClinVar aggregate classification (germline): Uncertain significance (1 of 4 stars; one submission).

gnomAD v4.1: 4 of 1,211,737 alleles (0.00033%); highest among the groups gnomAD compares: Non-Finnish European, 0.00034%; no homozygotes.

Submission:

Labcorp Genetics (formerly Invitae), Labcorp
Classification: Uncertain significance. Last evaluated: 2024-04-12. Review status: criteria provided, single submitter. Criteria: Invitae Variant Classification Sherloc (09022015). Collection method: clinical testing. Allele origin: germline.
Comment: This sequence change replaces arginine, which is basic and polar, with glutamine, which is neutral and polar, at codon 1004 of the TLR7 protein (p.Arg1004Gln). This variant is not present in population databases (gnomAD no frequency). This variant has not been reported in the literature in individuals affected with TLR7-related conditions. An algorithm developed to predict the effect of missense changes on protein structure and function (PolyPhen-2) suggests that this variant is likely to be disruptive. In summary, the available evidence is currently insufficient to determine the role of this variant in disease. Therefore, it has been classified as a Variant of Uncertain Significance.